The following is an entry in ClinVar:

NM_000424.4(KRT5):c.115G>A (p.Gly39Arg)

Gene: KRT5 (keratin 5; minus strand). Cytogenetic location: 12q13.13.
Variant type: single nucleotide variant.
Coding change: c.115G>A on transcript NM_000424.4 (MANE Select); coding-DNA position 115, G replaced by A.
Protein change: p.Gly39Arg; replaces glycine 39 with arginine.
Molecular consequence: missense variant.
Genome position (GRCh38, 1-based): chr12:52,520,182, C>T on the plus strand (G>A on the coding strand, the complement: KRT5 is on the minus strand). VCF-style: chr12-52520182-C-T. GRCh37 (hg19) VCF-style: chr12-52913966-C-T.
Other names: short protein forms G39R.
Identifiers: ClinVar variation 309574 (VCV000309574.7), dbSNP rs146136560, ClinGen allele CA6582924.

ClinVar aggregate classification (germline): Conflicting classifications of pathogenicity. Review status: criteria provided, conflicting classifications (1 of 4 stars). 2 submissions from 2 submitters: Uncertain significance (1); Likely benign (1). Last evaluated 2022-02-11.

Conditions:
Inborn genetic diseases. Identifiers: MedGen C0950123, MeSH D030342.
Epidermolysis bullosa simplex. Also called: Epidermolysis bullosa simplex, Weber-Cockayne type (subtype); Epidermolysis bullosa simplex, Dowling-Meara type (subtype); Epidermolysis bullosa simplex with mottled pigmentation (subtype). Identifiers: Orphanet 304, MedGen C0079298, MONDO:0017610.

Allele frequency attached by ClinVar (database versions not stated): gnomAD exomes 0.00006 and 0.00012; ExAC 0.00008; ESP Exome Variant Server 0.00008; gnomAD 0.00014 and 0.00015; TOPMed 0.00021.
gnomAD v4.1: 120 of 1,613,872 alleles (0.0074%); highest among the groups gnomAD compares: Admixed American, 0.045%; no homozygotes.

Submissions (2):

Ambry Genetics
Classification: Uncertain significance for Inborn genetic diseases. Last evaluated: 2022-02-11. Review status: criteria provided, single submitter. Criteria: Ambry Variant Classification Scheme 2023. Collection method: clinical testing. Allele origin: germline.

Illumina Laboratory Services, Illumina
Classification: Likely benign for Epidermolysis bullosa simplex. Last evaluated: 2018-01-12. Review status: criteria provided, single submitter. Criteria: ICSL Variant Classification Criteria 13 December 2019. Collection method: clinical testing. Allele origin: germline.
Comment: This variant was observed in the ICSL laboratory as part of a predisposition screen in an ostensibly healthy population. It had not been previously curated by ICSL or reported in the Human Gene Mutation Database (HGMD: prior to June 1st, 2018), and was therefore a candidate for classification through an automated scoring system. Utilizing variant allele frequency, disease prevalence and penetrance estimates, and inheritance mode, an automated score was calculated to assess if this variant is too frequent to cause the disease. Based on the score and internal cut-off values, a variant classified as likely benign is not then subjected to further curation. The score for this variant resulted in a classification of likely benign for this disease.